The following is an entry in ClinVar:

NM_001005242.3(PKP2):c.314del (p.Pro105fs)

Gene: PKP2 (plakophilin 2; minus strand). Cytogenetic location: 12p11.21.
Variant type: Deletion.
Coding change: c.314del on transcript NM_001005242.3 (MANE Select); coding-DNA position 314, one base deleted (C; older notation c.314delC).
Protein change: p.Pro105fs; shifts the reading frame from proline 105.
Molecular consequence: frameshift variant.
Genome position (GRCh38, 1-based): chr12:32,878,942, G deleted on the plus strand (C on the coding strand, the reverse complement: PKP2 is on the minus strand); the first of 2 consecutive G bases (chr12:32,878,942-32,878,943); deleting either gives the same sequence. VCF-style (leftmost placement, unchanged base first): chr12-32878941-AG-A. GRCh37 (hg19) VCF-style: chr12-33031875-AG-A.
Other names: c.314del, p.Pro105fs (NM_004572.4); c.314delC (NM_004572.3); short protein forms P105fs.
Identifiers: ClinVar variation 202011 (VCV000202011.4), dbSNP rs794729121, ClinGen allele CA012256.

ClinVar aggregate classification (germline): Pathogenic. Review status: criteria provided, multiple submitters, no conflicts (2 of 4 stars). 3 submissions from 3 submitters: Pathogenic (3). Last evaluated 2025-06-18.

Conditions:
PKP2-related disorder. Also called: PKP2-related condition.
Arrhythmogenic right ventricular dysplasia 9 (ARVD9). Also called: ARRHYTHMOGENIC RIGHT VENTRICULAR DYSPLASIA, FAMILIAL, 9; Arrhythmogenic Right Ventricular Dysplasia/Cardiomyopathy 9. Identifiers: MedGen C1836906, MONDO:0012180, OMIM 609040.

Submissions (3):

Labcorp Genetics (formerly Invitae), Labcorp
Classification: Pathogenic for Arrhythmogenic right ventricular dysplasia 9. Last evaluated: 2025-06-18. Review status: criteria provided, single submitter. Criteria: Invitae Variant Classification Sherloc (09022015). Collection method: clinical testing. Allele origin: germline.
Comment: This sequence change creates a premature translational stop signal (p.Pro105Leufs*7) in the PKP2 gene. It is expected to result in an absent or disrupted protein product. Loss-of-function variants in PKP2 are known to be pathogenic (PMID: 15489853, 17041889, 23911551). This variant is not present in population databases (gnomAD no frequency). This premature translational stop signal has been observed in individual(s) with PKP2-related conditions (PMID: 27532257). ClinVar contains an entry for this variant (Variation ID: 202011). For these reasons, this variant has been classified as Pathogenic.

Blueprint Genetics
Classification: Pathogenic for PKP2-related disorders. Last evaluated: 2020-02-03. Review status: criteria provided, single submitter. Criteria: ACMG Guidelines, 2015. Collection method: clinical testing. Allele origin: germline. Affected: yes. Observed: 2 variant alleles.

GeneDx
Classification: Pathogenic. Last evaluated: 2017-02-21. Review status: criteria provided, single submitter. Criteria: GeneDx Variant Classification (06012015). Collection method: clinical testing. Allele origin: germline. Affected: yes.
Comment: Although the c.314delC pathogenic variant in the PKP2 gene has not been reported to our knowledge, this variant causes a shift in reading frame starting at codon Proline 105, changing it to a Leucine, and creating a premature stop codon at position 7 of the new reading frame, denoted p.Pro105LeufsX7. This variant is expected to result in either an abnormal, truncated protein product or loss of protein from this allele through nonsense-mediated mRNA decay. Other frameshift mutations in the PKP2 gene have been reported in association with ARVC. In summary, c.314delC in the PKP2 gene is interpreted as a pathogenic variant.

Literature cited by the submitters: PubMed 15489853 (cited by Labcorp Genetics (formerly Invitae), Labcorp); PubMed 17041889 (cited by Labcorp Genetics (formerly Invitae), Labcorp); PubMed 23911551 (cited by Labcorp Genetics (formerly Invitae), Labcorp); PubMed 27532257 (cited by Labcorp Genetics (formerly Invitae), Labcorp).